The following is an entry in ClinVar:

ClinVar aggregate classification (germline): Uncertain significance (1 of 4 stars; one submission).

Conditions:
Familial juvenile hyperuricemic nephropathy type 1 (ADTKD1). Also called: Uromodulin-associated kidney disease; Autosomal Dominant Tubulointerstitial Kidney Disease – UMOD; UMOD-Associated Kidney Disease; Glomerulocystic kidney disease with hyperuricemia and isosthenuria; Medullary cystic kidney disease 2. Identifiers: Orphanet 209886, Orphanet 34149, Orphanet 88950, MedGen C4551496, MONDO:0008073, OMIM 162000.

Submission:

Victorian Clinical Genetics Services, Murdoch Childrens Research Institute
Classification: Uncertain significance for Familial juvenile hyperuricemic nephropathy type 1. Last evaluated: 2022-02-02. Review status: criteria provided, single submitter. Criteria: ACMG Guidelines, 2015. Collection method: clinical testing. Allele origin: germline. Inheritance: Autosomal dominant inheritance.
Comment: Based on the classification scheme VCGS_Germline_v1.3.4, this variant is classified as VUS-3A. Following criteria are met: 0104 - Dominant negative is a known mechanism of disease in this gene associated with missense variants and is associated with tubulointerstitial kidney disease (MIM#162000) (PMIDs: 22117067, 28990932, 30099615). (I) 0107 - This gene is associated with autosomal dominant disease. (I) 0200 - Variant is predicted to result in a missense amino acid change alanine to proline. (I) 0251 - This variant is heterozygous. (I) 0301 - Variant is absent from gnomAD (both v2 and v3). (SP) 0309 - An alternative amino acid change at the same position has been observed in gnomAD (v3) (p.(Ala39Thr): 2 heterozygotes, 0 homozygotes). (I) 0502 - Missense variant with conflicting in silico predictions and uninformative conservation. (I) 0600 - Variant is located in the annotated EGF-like 1 domain (UniProt). (I) 0704 - Another missense variant comparable to the one identified in this case has limited previous evidence for pathogenicity. The p.(Ala39Thr) has been identified in multiple families with a history of end-stage kidney disease and/or chronic kidney disease (PMIDs: 24961278, 32954071, 32450155). However, it should be noted that the Grantham score of this missense variant is higher than the variant of interest (58 vs 27). (SP) 0807 - This variant has no previous evidence of pathogenicity. (I) 0905 - No published segregation evidence has been identified for this variant. (I) 1007 - No published functional evidence has been identified for this variant. (I) 1208 - Inheritance information for this variant is not currently available in this individual. (I) Legend: (SP) - Supporting pathogenic, (I) - Information, (SB) - Supporting benign

Literature cited by the submitters: PubMed 22117067; PubMed 24961278; PubMed 28990932; PubMed 30099615; PubMed 32450155; PubMed 32954071.

NM_003361.4(UMOD):c.115G>C (p.Ala39Pro)

Gene: UMOD (uromodulin; minus strand). Cytogenetic location: 16p12.3.
Variant type: single nucleotide variant.
Coding change: c.115G>C on transcript NM_003361.4 (MANE Select); coding-DNA position 115, G replaced by C.
Protein change: p.Ala39Pro; replaces alanine 39 with proline.
Molecular consequence: missense variant. On other transcripts: non-coding transcript variant (1).
Genome position (GRCh38, 1-based): chr16:20,349,186, C>G on the plus strand (G>C on the coding strand, the complement: UMOD is on the minus strand). VCF-style: chr16-20349186-C-G. GRCh37 (hg19) VCF-style: chr16-20360508-C-G.
Other names: c.115G>C, p.Ala39Pro (NM_001008389.3, NM_001378232.1, NM_001378233.1 and 3 more transcripts); c.214G>C, p.Ala72Pro (NM_001278614.2); short protein forms A39P, A72P.
Identifiers: ClinVar variation 1698958 (VCV001698958.3), dbSNP rs1245943973, ClinGen allele CA394965657.
Genomic context (GRCh38, chr16:20,349,186, plus strand): 5'-CGCCGGTGAAGCCCTCCTGACAGGTGCACGTCGTAACGGCCTCATCCTCCGTGCAGGTGG[C>G]ATTGCTGTGACATTCAGAGCACCATCCTGTGGACAGAAAAGCCCAGCTTCAGGGTTTGGG-3'
Protein context (NP_003352.2, residues 29-49): ARWCSECHSN[Ala39Pro]TCTEDEAVTT